The following is an entry in ClinVar:

NM_001457.4(FLNB):c.2998del (p.Glu1000fs)

Gene: FLNB (filamin B; plus strand). Cytogenetic location: 3p14.3.
Variant type: Deletion.
Coding change: c.2998del on transcript NM_001457.4 (MANE Select); coding-DNA position 2998, one base deleted (G; older notation c.2998delG).
Protein change: p.Glu1000fs; shifts the reading frame from glutamic acid 1000.
Molecular consequence: frameshift variant.
Genome position (GRCh38, 1-based): chr3:58,121,375, G deleted; the last of 3 consecutive G bases (chr3:58,121,373-58,121,375); deleting any one gives the same sequence. VCF-style (leftmost placement, unchanged base first): chr3-58121372-CG-C. GRCh37 (hg19) VCF-style: chr3-58107099-CG-C.
Other names: c.2998del, p.Glu1000fs (NM_001164317.2, NM_001164318.2, NM_001164319.2); short protein forms E1000fs.
Identifiers: ClinVar variation 4795847 (VCV004795847.2).
Genomic context (GRCh38, chr3:58,121,372, plus strand): 5'-GTGACAATCCTCAGCCCCTCTCGGAAGGTCGTGCCATGCCTAGTGACACCTGTGACAGGC[CG>C]GGAGAACAGCACGGCCAAGTTCATCCCTCGGGAGGAGGGGCTGTATGCTGTAGACGTGAC-3'

ClinVar aggregate classification (germline): Likely pathogenic. Review status: criteria provided, multiple submitters, no conflicts (2 of 4 stars). 2 submissions from 2 submitters: Likely pathogenic (2). Last evaluated 2026-02-19.

Conditions:
FLNB-related disorder. Also called: FLNB-related condition; FLNB-related disorders. Identifiers: MedGen CN381095.
Short stature. Identifiers: MedGen C0349588, HP:0004322.

Submissions (2):

Clinical Genetics Laboratory, Skane University Hospital Lund
Classification: Likely pathogenic for Short stature. Last evaluated: 2026-02-19. Review status: criteria provided, single submitter. Criteria: ACMG Guidelines, 2015. Collection method: clinical testing. Allele origin: germline. Affected: yes.
Comment: ACMG criteria used: PVS1, PM2

Blueprint Genetics
Classification: Likely pathogenic for FLNB-related disorders. Last evaluated: 2021-04-08. Review status: criteria provided, single submitter. Criteria: ACMG Guidelines, 2015. Collection method: clinical testing. Allele origin: germline. Affected: yes. Observed: 1 variant allele.